The following is an entry in ClinVar:

NM_014712.3(SETD1A):c.4892C>T (p.Thr1631Ile)

Gene: SETD1A (SET domain containing 1A, histone lysine methyltransferase; plus strand). Cytogenetic location: 16p11.2.
Variant type: single nucleotide variant.
Coding change: c.4892C>T on transcript NM_014712.3 (MANE Select); coding-DNA position 4892, C replaced by T.
Protein change: p.Thr1631Ile; replaces threonine 1631 with isoleucine.
Molecular consequence: missense variant.
Genome position (GRCh38, 1-based): chr16:30,983,714, C>T. VCF-style: chr16-30983714-C-T. GRCh37 (hg19) VCF-style: chr16-30995035-C-T.
Other names: short protein forms T1631I.
Identifiers: ClinVar variation 4281892 (VCV004281892.1).
Genomic context (GRCh38, chr16:30,983,714, plus strand): 5'-AGAAGCGCTACGTGCAGGAGGGCATTGGCAGCAGCTACCTGTTCCGGGTGGACCACGACA[C>T]CATCATCGATGCCACCAAGTGTGGCAACCTGGCCAGATTCATCAACCACTGCTGCACGGT-3'
Protein context (NP_055527.1, residues 1621-1641): SSYLFRVDHD[Thr1631Ile]IIDATKCGNL

ClinVar aggregate classification (germline): Uncertain significance (1 of 4 stars; one submission).

Submission:

GeneDx
Classification: Uncertain significance. Last evaluated: 2025-04-08. Review status: criteria provided, single submitter. Criteria: GeneDx Variant Classification Process June 2021. Collection method: clinical testing. Allele origin: germline. Affected: yes.
Comment: Not observed at significant frequency in large population cohorts (gnomAD); In silico analysis supports that this missense variant has a deleterious effect on protein structure/function; Has not been previously published as pathogenic or benign to our knowledge